The following is an entry in ClinVar:

NM_001291415.2(KDM6A):c.1739C>T (p.Thr580Ile)

Gene: KDM6A (lysine demethylase 6A; plus strand). Cytogenetic location: Xp11.3.
Variant type: single nucleotide variant.
Coding change: c.1739C>T on transcript NM_001291415.2 (MANE Select); coding-DNA position 1739, C replaced by T.
Protein change: p.Thr580Ile; replaces threonine 580 with isoleucine.
Molecular consequence: missense variant. On other transcripts: non-coding transcript variant (1).
Genome position (GRCh38, 1-based): chrX:45,063,477, C>T. VCF-style: chrX-45063477-C-T. GRCh37 (hg19) VCF-style: chrX-44922722-C-T.
Other names: c.695C>T, p.Thr232Ile (NM_001291421.2); c.1481C>T, p.Thr494Ile (NM_001410742.1); c.1583C>T, p.Thr528Ile (NM_021140.4); c.1604C>T, p.Thr535Ile (NM_001291416.2); c.1448C>T, p.Thr483Ile (NM_001291417.2); c.1346C>T, p.Thr449Ile (NM_001291418.2); c.1583C>T (NM_021140.2); short protein forms T232I, T449I, T483I, T494I, T528I, T535I, T580I.
Identifiers: ClinVar variation 1805948 (VCV001805948.7), dbSNP rs1340911940, ClinGen allele CA412787857.

ClinVar aggregate classification (germline): Conflicting classifications of pathogenicity. Review status: criteria provided, conflicting classifications (1 of 4 stars). 3 submissions from 3 submitters: Uncertain significance (2); Likely benign (1). Last evaluated 2024-12-29.

Conditions:
Inborn genetic diseases. Identifiers: MedGen C0950123, MeSH D030342.
Kabuki syndrome 2 (KABUK2). Also called: KDM6A-Related Kabuki Syndrome. Identifiers: Orphanet 2322, MedGen C3275495, MONDO:0010465, OMIM 300867.

Allele frequency attached by ClinVar (database versions not stated): gnomAD exomes below 0.00001; TOPMed 0.00002.
gnomAD v4.1: 4 of 1,209,389 alleles (0.00033%); highest among the groups gnomAD compares: East Asian, 0.003%; no homozygotes.

Submissions (3):

Ambry Genetics
Classification: Uncertain significance for Inborn genetic diseases. Last evaluated: 2024-12-29. Review status: criteria provided, single submitter. Criteria: Ambry Variant Classification Scheme 2023. Collection method: clinical testing. Allele origin: germline.

Labcorp Genetics (formerly Invitae), Labcorp
Classification: Likely benign for Kabuki syndrome 2. Last evaluated: 2024-09-17. Review status: criteria provided, single submitter. Criteria: Invitae Variant Classification Sherloc (09022015). Collection method: clinical testing. Allele origin: germline.

Victorian Clinical Genetics Services, Murdoch Childrens Research Institute
Classification: Uncertain significance for Kabuki syndrome 2. Last evaluated: 2022-09-02. Review status: criteria provided, single submitter. Criteria: ACMG Guidelines, 2015. Collection method: clinical testing. Allele origin: germline. Inheritance: X-linked dominant inheritance. Affected: yes.
Comment: Based on the classification scheme VCGS_Germline_v1.3.4, this variant is classified as VUS-3C. Following criteria are met: 0102 - Loss of function is a known mechanism of disease in this gene and is associated with Kabuki syndrome 2 (MIM#300867). (I) 0110 - This gene is associated with X-linked dominant disease. Heterozygous females can be mildly affected and may have random or skewed X-inactivation (PMID: 27302555, OMIM). (I) 0200 - Variant is predicted to result in a missense amino acid change from threonine to isoleucine. (I) 0253 - This variant is hemizygous. (I) 0302 - Variant is present in gnomAD (v2) <0.001 for a dominant condition (1 heterozygote, 0 homozygotes, 0 hemizygotes). (SP) 0503 - Missense variant consistently predicted to be tolerated by multiple in silico tools or not conserved in placental mammals with a minor amino acid change. (SB) 0604 - Variant is not located in an established domain, motif, hotspot or informative constraint region. (I) 0705 - No comparable missense variants have previous evidence for pathogenicity. (I) 0807 - This variant has no previous evidence of pathogenicity. (I) 0905 - No published segregation evidence has been identified for this variant. (I) 1007 - No published functional evidence has been identified for this variant. (I) Legend: (SP) - Supporting pathogenic, (I) - Information, (SB) - Supporting benign

Literature cited by the submitters: PubMed 27302555 (cited by Victorian Clinical Genetics Services, Murdoch Childrens Research Institute).